The following is an entry in ClinVar:

NM_014875.3(KIF14):c.265G>A (p.Ala89Thr)

Gene: KIF14 (kinesin family member 14; minus strand). Cytogenetic location: 1q32.1.
Variant type: single nucleotide variant.
Coding change: c.265G>A on transcript NM_014875.3 (MANE Select); coding-DNA position 265, G replaced by A.
Protein change: p.Ala89Thr; replaces alanine 89 with threonine.
Molecular consequence: missense variant. On other transcripts: 5 prime UTR variant (1).
Genome position (GRCh38, 1-based): chr1:200,618,459, C>T on the plus strand (G>A on the coding strand, the complement: KIF14 is on the minus strand). VCF-style: chr1-200618459-C-T. GRCh37 (hg19) VCF-style: chr1-200587587-C-T.
Other names: c.-1121G>A (NM_001305792.1); short protein forms A89T.
Identifiers: ClinVar variation 1302465 (VCV001302465.7), dbSNP rs143156660, ClinGen allele CA1318057.

ClinVar aggregate classification (germline): Conflicting classifications of pathogenicity. Review status: criteria provided, conflicting classifications (1 of 4 stars). 4 submissions from 4 submitters: Uncertain significance (2); Benign (1); Likely benign (1). Last evaluated 2025-12-13.

Conditions:
Inborn genetic diseases. Identifiers: MedGen C0950123, MeSH D030342.

Allele frequency attached by ClinVar (database versions not stated): gnomAD exomes 0.00015; ExAC 0.00021; ESP Exome Variant Server 0.00054; gnomAD 0.00063 and 0.00068; TOPMed 0.00079; 1000 Genomes Project 30x 0.00094; 1000 Genomes Project 0.00100.
gnomAD v4.1: 200 of 1,614,144 alleles (0.012%); highest among the groups gnomAD compares: African/African-American, 0.25%; 1 homozygote.

Submissions (4):

Labcorp Genetics (formerly Invitae), Labcorp
Classification: Benign. Last evaluated: 2025-12-13. Review status: criteria provided, single submitter. Criteria: Invitae Variant Classification Sherloc (09022015). Collection method: clinical testing. Allele origin: germline.

Women's Health and Genetics/Laboratory Corporation of America, LabCorp
Classification: Uncertain significance. Last evaluated: 2025-10-23. Review status: criteria provided, single submitter. Criteria: LabCorp Variant Classification Summary - May 2015. Collection method: clinical testing. Allele origin: germline.
Comment: Variant summary: KIF14 c.265G>A (p.Ala89Thr) results in a non-conservative amino acid change in the encoded protein sequence. Algorithms developed to predict the effect of missense changes on protein structure and function are either unavailable or do not agree on the potential impact of this missense change. The variant allele was found at a frequency of 0.00015 in 251420 control chromosomes, predominantly at a frequency of 0.0023 within the African or African-American subpopulation in the gnomAD database. This frequency is not significantly higher than estimated for disease-causing variants in KIF14, allowing no conclusion about variant significance. To our knowledge, no occurrence of c.265G>A in individuals affected with KIF14-related conditions and no experimental evidence demonstrating its impact on protein function have been reported. ClinVar contains an entry for this variant (Variation ID: 1302465). Based on the evidence outlined above, the variant was classified as uncertain significance.

Ambry Genetics
Classification: Likely benign for Inborn genetic diseases. Last evaluated: 2021-11-12. Review status: criteria provided, single submitter. Criteria: Ambry Variant Classification Scheme 2023. Collection method: clinical testing. Allele origin: germline.

GeneDx
Classification: Uncertain significance. Last evaluated: 2019-04-17. Review status: criteria provided, single submitter. Criteria: GeneDx Variant Classification Process June 2021. Collection method: clinical testing. Allele origin: germline. Affected: yes.
Comment: Has not been previously published as pathogenic or benign to our knowledge; In silico analysis, which includes protein predictors and evolutionary conservation, supports that this variant does not alter protein structure/function